The following is an entry in ClinVar:

ClinVar aggregate classification (germline): Pathogenic (1 of 4 stars; one submission).

Conditions:
Rubinstein-Taybi syndrome (RSTS). Identifiers: Orphanet 783, MedGen C0035934, MONDO:0019188.

Submission:

Labcorp Genetics (formerly Invitae), Labcorp
Classification: Pathogenic for Rubinstein-Taybi syndrome. Last evaluated: 2018-11-14. Review status: criteria provided, single submitter. Criteria: Invitae Variant Classification Sherloc (09022015). Collection method: clinical testing. Allele origin: germline.
Comment: For these reasons, this variant has been classified as Pathogenic. This variant disrupts the C-terminus of the CREBBP protein. Other variant(s) that disrupt this region (p.Arg2004*) have been determined to be pathogenic (PMID: 15706485, 21932317). This suggests that variants that disrupt this region of the protein are likely to be causative of disease. Experimental studies and prediction algorithms are not available for this variant, and the functional significance of the affected amino acid(s) is currently unknown. This variant has not been reported in the literature in individuals with CREBBP-related disease. The frequency data for this variant in the population databases is considered unreliable, as metrics indicate insufficient coverage at this position in the ExAC database. This sequence change results in a premature translational stop signal in the CREBBP gene (p.Pro1953Serfs*13). While this is not anticipated to result in nonsense mediated decay, it is expected to disrupt the last 490 amino acids of the CREBBP protein.

Literature cited by the submitters: PubMed 15706485; PubMed 21932317.

NM_004380.3(CREBBP):c.5856dup (p.Pro1953fs)

Gene: CREBBP (CREB binding lysine acetyltransferase; minus strand). Cytogenetic location: 16p13.3.
Variant type: Duplication.
Coding change: c.5856dup on transcript NM_004380.3 (MANE Select); coding-DNA position 5856, one base duplicated (T; older notation c.5856dupT).
Protein change: p.Pro1953fs; shifts the reading frame from proline 1953.
Molecular consequence: frameshift variant.
Genome position (GRCh38, 1-based): chr16:3,729,191, A duplicated on the plus strand (T on the coding strand, the reverse complement: CREBBP is on the minus strand). VCF-style (leftmost placement, unchanged base first): chr16-3729190-G-GA. GRCh37 (hg19) VCF-style: chr16-3779191-G-GA.
Other names: c.5742dup, p.Pro1915fs (NM_001079846.1); c.5856dupT (NM_004380.2); short protein forms P1953fs, P1915fs.
Identifiers: ClinVar variation 644368 (VCV000644368.8), dbSNP rs1596786167, ClinGen allele CA915949065.